The following is an entry in ClinVar:

NM_015065.3(EXPH5):c.4861C>T (p.Pro1621Ser)

Gene: EXPH5 (exophilin 5; minus strand). Cytogenetic location: 11q22.3.
Variant type: single nucleotide variant.
Coding change: c.4861C>T on transcript NM_015065.3 (MANE Select); coding-DNA position 4861, C replaced by T.
Protein change: p.Pro1621Ser; replaces proline 1621 with serine.
Molecular consequence: missense variant.
Genome position (GRCh38, 1-based): chr11:108,510,646, G>A on the plus strand (C>T on the coding strand, the complement: EXPH5 is on the minus strand). VCF-style: chr11-108510646-G-A. GRCh37 (hg19) VCF-style: chr11-108381373-G-A.
Other names: c.4633C>T, p.Pro1545Ser (NM_001144763.2); c.4393C>T, p.Pro1465Ser (NM_001144764.2); c.4297C>T, p.Pro1433Ser (NM_001144765.2); c.4840C>T, p.Pro1614Ser (NM_001308019.2); short protein forms P1614S, P1621S, P1465S, P1545S, P1433S.
Identifiers: ClinVar variation 1506870 (VCV001506870.6), dbSNP rs199531963, ClinGen allele CA6267448.
Genomic context (GRCh38, chr11:108,510,646, plus strand): 5'-GGTTGCACTCCACTGTGCCAAGAGATAAATGGTCAAAGCCAGATCTGCTTCCACTTTGGG[G>A]GAAGATAGTAGCTACATGTCTTCTGGGGCTTACATCTTTAGCTGGGAATTTTCTGCTGGC-3'
Protein context (NP_055880.2, residues 1611-1631): SPRRHVATIF[Pro1621Ser]QSGSRSGFDH

ClinVar aggregate classification (germline): Uncertain significance. Review status: criteria provided, multiple submitters, no conflicts (2 of 4 stars). 2 submissions from 2 submitters: Uncertain significance (2). Last evaluated 2025-10-21.

Allele frequency attached by ClinVar (database versions not stated): ESP Exome Variant Server 0.00038.
gnomAD v4.1: 343 of 1,614,028 alleles (0.021%); highest among the groups gnomAD compares: Non-Finnish European, 0.026%; 1 homozygote.

Submissions (2):

Labcorp Genetics (formerly Invitae), Labcorp
Classification: Uncertain significance. Last evaluated: 2025-10-21. Review status: criteria provided, single submitter. Criteria: Invitae Variant Classification Sherloc (09022015). Collection method: clinical testing. Allele origin: germline.
Comment: This sequence change replaces proline, which is neutral and non-polar, with serine, which is neutral and polar, at codon 1621 of the EXPH5 protein (p.Pro1621Ser). This variant is present in population databases (rs199531963, gnomAD 0.06%). This variant has not been reported in the literature in individuals affected with EXPH5-related conditions. ClinVar contains an entry for this variant (Variation ID: 1506870). An algorithm developed to predict the effect of missense changes on protein structure and function outputs the following: PolyPhen-2: "Possibly Damaging". The serine amino acid residue is found in multiple mammalian species, which suggests that this missense change does not adversely affect protein function. In summary, the available evidence is currently insufficient to determine the role of this variant in disease. Therefore, it has been classified as a Variant of Uncertain Significance.

Breakthrough Genomics
Classification: Uncertain significance. Review status: criteria provided, single submitter. Criteria: ACMG Guidelines, 2015. Collection method: not provided. Allele origin: germline. Inheritance: Autosomal recessive inheritance. Affected: yes.